The following is an entry in ClinVar:

ClinVar aggregate classification (germline): Likely benign (1 of 4 stars; one submission).

Conditions:
Familial cancer of breast. Also called: hereditary breast carcinoma; BREAST CANCER, FAMILIAL; Hereditary breast cancer. Identifiers: Orphanet 227535, MedGen C0346153, MONDO:0016419, OMIM 114480. Disease mechanism: loss of function.

Allele frequency attached by ClinVar (database versions not stated): gnomAD exomes below 0.00001.
gnomAD v4.1: 1 of 1,613,774 alleles (0.000062%); highest among the groups gnomAD compares: East Asian, 0.0022%; no homozygotes.

Submission:

Myriad Genetics, Inc.
Classification: Likely benign for Familial cancer of breast. Last evaluated: 2024-06-03. Review status: criteria provided, single submitter. Criteria: Myriad Autosomal Dominant, Autosomal Recessive and X-Linked Classification Criteria (2023). Collection method: clinical testing. Allele origin: unknown.
Comment: This variant is considered likely benign. This variant is intronic and is not expected to impact mRNA splicing.

NM_000051.4(ATM):c.6096-11T>C

Genes: ATM (ATM serine/threonine kinase; plus strand), C11orf65 (chromosome 11 open reading frame 65; minus strand). Cytogenetic location: 11q22.3.
Variant type: single nucleotide variant.
Coding change: c.6096-11T>C on transcript NM_000051.4 (MANE Select); 11 bases into the intron before coding-DNA position 6096, T replaced by C.
Molecular consequence: intron variant.
Genome position (GRCh38, 1-based): chr11:108,316,000, T>C. VCF-style: chr11-108316000-T-C. GRCh37 (hg19) VCF-style: chr11-108186727-T-C.
Other names: c.6096-11T>C (NM_001351834.2); c.641-6929A>G (NM_001330368.2); c.*39-6929A>G (NM_001351110.2).
Identifiers: ClinVar variation 3254489 (VCV003254489.1), dbSNP rs1408263801.
Genomic context (GRCh38, chr11:108,316,000, plus strand): 5'-TAGTAATTCTGTTTATGAAGGAGTTATGTGTGTGTAAAACCCAAAGCTATTTTCACAATC[T>C]TTTCTTATAGACTACGAACATATGAACACGAAGCAATGTGGGGCAAAGCCCTAGTAACAT-3'